The following is an entry in ClinVar:

NM_001347721.2(DYRK1A):c.1260G>A (p.Val420=)

Gene: DYRK1A (dual specificity tyrosine phosphorylation regulated kinase 1A; plus strand). Cytogenetic location: 21q22.13.
Variant type: single nucleotide variant.
Coding change: c.1260G>A on transcript NM_001347721.2 (MANE Select); coding-DNA position 1260, G replaced by A.
Protein change: p.Val420=; no amino-acid change (valine 420 retained).
Molecular consequence: synonymous variant.
Genome position (GRCh38, 1-based): chr21:37,505,330, G>A. VCF-style: chr21-37505330-G-A. GRCh37 (hg19) VCF-style: chr21-38877633-G-A.
Other names: c.1260G>A, p.Val420= (NM_001347722.2, NM_130436.2); c.1173G>A, p.Val391= (NM_001347723.2); c.1287G>A, p.Val429= (NM_001396.5, NM_101395.2, NM_130438.2).
Identifiers: ClinVar variation 383232 (VCV000383232.14), dbSNP rs139043513, ClinGen allele CA10023960.

ClinVar aggregate classification (germline): Likely benign. Review status: criteria provided, multiple submitters, no conflicts (2 of 4 stars). 3 submissions from 3 submitters: Likely benign (3). Last evaluated 2025-11-12.

Conditions:
Inborn genetic diseases. Identifiers: MedGen C0950123, MeSH D030342.
DYRK1A-related intellectual disability syndrome (MRD7). Also called: Intellectual developmental disorder, autosomal dominant 7; DYRK1A Syndrome. Identifiers: Orphanet 464306, MedGen C5568143, MONDO:0013578, OMIM 614104.

Allele frequency attached by ClinVar (database versions not stated): gnomAD exomes 0.00001; ExAC 0.00002; TOPMed 0.00007; ESP Exome Variant Server 0.00008; gnomAD 0.00009.
gnomAD v4.1: 16 of 1,614,026 alleles (0.00099%); highest among the groups gnomAD compares: African/African-American, 0.021%; no homozygotes.

Submissions (3):

Labcorp Genetics (formerly Invitae), Labcorp
Classification: Likely benign for DYRK1A-related intellectual disability syndrome. Last evaluated: 2025-11-12. Review status: criteria provided, single submitter. Criteria: Invitae Variant Classification Sherloc (09022015). Collection method: clinical testing. Allele origin: germline.

Ambry Genetics
Classification: Likely benign for Inborn genetic diseases. Last evaluated: 2016-10-05. Review status: criteria provided, single submitter. Criteria: Ambry Variant Classification Scheme 2023. Collection method: clinical testing. Allele origin: germline.

GeneDx
Classification: Likely benign. Last evaluated: 2016-02-05. Review status: criteria provided, single submitter. Criteria: GeneDx Variant Classification (06012015). Collection method: clinical testing. Allele origin: germline. Affected: yes.
Comment: This variant is considered likely benign or benign based on one or more of the following criteria: it is a conservative change, it occurs at a poorly conserved position in the protein, it is predicted to be benign by multiple in silico algorithms, and/or has population frequency not consistent with disease.